The following is an entry in ClinVar:

ClinVar aggregate classification (germline): Uncertain significance (1 of 4 stars; one submission).

Conditions:
Developmental and epileptic encephalopathy 94 (DEE94). Also called: CHD2-Related Neurodevelopmental Disorders; Epileptic encephalopathy, childhood-onset. Identifiers: Orphanet 1942, Orphanet 2382, MedGen C3809278, MONDO:0014150, OMIM 615369.

Submission:

Labcorp Genetics (formerly Invitae), Labcorp
Classification: Uncertain significance for Developmental and epileptic encephalopathy 94. Last evaluated: 2025-02-19. Review status: criteria provided, single submitter. Criteria: Invitae Variant Classification Sherloc (09022015). Collection method: clinical testing. Allele origin: germline.
Comment: This variant, c.210_224del, results in the deletion of 5 amino acid(s) of the CHD2 protein (p.Ala71_Ser75del), but otherwise preserves the integrity of the reading frame. This variant is not present in population databases (gnomAD no frequency). This variant has not been reported in the literature in individuals affected with CHD2-related conditions. Experimental studies and prediction algorithms are not available or were not evaluated, and the functional significance of this variant is currently unknown. In summary, the available evidence is currently insufficient to determine the role of this variant in disease. Therefore, it has been classified as a Variant of Uncertain Significance.

NM_001271.4(CHD2):c.210_224del (p.Ala71_Ser75del)

Gene: CHD2 (chromodomain helicase DNA binding protein 2; plus strand). Cytogenetic location: 15q26.1.
Variant type: Deletion.
Coding change: c.210_224del on transcript NM_001271.4 (MANE Select); coding-DNA positions 210 to 224, 15 bases deleted (AGCAGGTTCCAAATC).
Protein change: p.Ala71_Ser75del.
Molecular consequence: inframe deletion.
Genome position (GRCh38, 1-based): chr15:92,924,468-92,924,482, AGCAGGTTCCAAATC deleted; deleting any 15 consecutive bases within chr15:92,924,464-92,924,482 gives the same sequence; the c. name uses the placement nearest the transcript's 3' end. VCF-style (leftmost placement, unchanged base first): chr15-92924463-GAATCAGCAGGTTCCA-G. GRCh37 (hg19) VCF-style: chr15-93467693-GAATCAGCAGGTTCCA-G.
Other names: c.210_224del, p.Ala71_Ser75del (NM_001042572.3).
Identifiers: ClinVar variation 4713467 (VCV004713467.1).